The following is an entry in ClinVar:

ClinVar aggregate classification (germline): Uncertain significance (1 of 4 stars; one submission).

Allele frequency attached by ClinVar (database versions not stated): gnomAD exomes below 0.00001.
gnomAD v4.1: 1 of 1,589,770 alleles (0.000063%); highest among the groups gnomAD compares: Admixed American, 0.0017%; no homozygotes.

Submission:

Labcorp Genetics (formerly Invitae), Labcorp
Classification: Uncertain significance. Last evaluated: 2022-08-22. Review status: criteria provided, single submitter. Criteria: Invitae Variant Classification Sherloc (09022015). Collection method: clinical testing. Allele origin: germline.
Comment: Variants that disrupt the consensus splice site are a relatively common cause of aberrant splicing (PMID: 17576681, 9536098). Algorithms developed to predict the effect of sequence changes on RNA splicing suggest that this variant is not likely to affect RNA splicing. ClinVar contains an entry for this variant (Variation ID: 1496480). This variant has not been reported in the literature in individuals affected with PLAA-related conditions. This variant is present in population databases (no rsID available, gnomAD 0.003%). This sequence change falls in intron 12 of the PLAA gene. It does not directly change the encoded amino acid sequence of the PLAA protein. It affects a nucleotide within the consensus splice site. In summary, the available evidence is currently insufficient to determine the role of this variant in disease. Therefore, it has been classified as a Variant of Uncertain Significance.

Literature cited by the submitters: PubMed 17576681; PubMed 9536098.

NM_001031689.3(PLAA):c.1657+4A>G

Gene: PLAA (phospholipase A2 activating protein; minus strand). Cytogenetic location: 9p21.2.
Variant type: single nucleotide variant.
Coding change: c.1657+4A>G on transcript NM_001031689.3 (MANE Select); 4 bases into the intron after coding-DNA position 1657, A replaced by G.
Molecular consequence: intron variant.
Genome position (GRCh38, 1-based): chr9:26,910,334, T>C on the plus strand (A>G on the coding strand, the complement: PLAA is on the minus strand). VCF-style: chr9-26910334-T-C. GRCh37 (hg19) VCF-style: chr9-26910332-T-C.
Other names: c.1588+4A>G (NM_001321546.2).
Identifiers: ClinVar variation 1496480 (VCV001496480.4), dbSNP rs1164105744, ClinGen allele CA587113765.